The following is an entry in ClinVar:

ClinVar aggregate classification (germline): Benign (1 of 4 stars; one submission).

Conditions:
Birt-Hogg-Dube syndrome 1 (BHD1). Also called: FIBROFOLLICULOMAS WITH TRICHODISCOMAS AND ACROCHORDONS. Identifiers: Orphanet 122, MedGen CN375946, MONDO:0800445, OMIM 135150.

gnomAD v4.1: 1 of 1,614,246 alleles (0.000062%); highest among the groups gnomAD compares: African/African-American, 0.0013%; no homozygotes.

Submission:

Myriad Genetics, Inc.
Classification: Benign for Birt-Hogg-Dube syndrome 1. Last evaluated: 2024-10-28. Review status: criteria provided, single submitter. Criteria: Myriad Autosomal Dominant, Autosomal Recessive and X-Linked Classification Criteria (2023). Collection method: clinical testing. Allele origin: unknown.
Comment: This variant is considered benign. This variant is a silent/synonymous amino acid change and it is not expected to impact splicing.

NM_144997.7(FLCN):c.1596A>C (p.Thr532=)

Gene: FLCN (folliculin; minus strand). Cytogenetic location: 17p11.2.
Variant type: single nucleotide variant.
Coding change: c.1596A>C on transcript NM_144997.7 (MANE Select); coding-DNA position 1596, A replaced by C.
Protein change: p.Thr532=; no amino-acid change (threonine 532 retained).
Molecular consequence: synonymous variant.
Genome position (GRCh38, 1-based): chr17:17,213,799, T>G on the plus strand (A>C on the coding strand, the complement: FLCN is on the minus strand). VCF-style: chr17-17213799-T-G. GRCh37 (hg19) VCF-style: chr17-17117113-T-G.
Other names: c.1650A>C, p.Thr550= (NM_001353229.2); c.1596A>C, p.Thr532= (NM_001353230.2, NM_001353231.2).
Identifiers: ClinVar variation 3773029 (VCV003773029.1).
Genomic context (GRCh38, chr17:17,213,799, plus strand): 5'-GAACTTCAGCAGCTTGACATTGTCCTCCTCGGACGCACCCAGGATGCTCAGCAGCTTCTG[T>G]GTGTCCTCTTTGGGTCGACTGTCCACCTTGGTGAACTTAAAAAGCACCTTCACTTTGCTG-3'
Protein context (NP_659434.2, residues 522-542): TKVDSRPKED[Thr532=]QKLLSILGAS